The following is an entry in ClinVar:

Conditions:
Breast-ovarian cancer, familial, susceptibility to, 1 (BROVCA1). Also called: BRCA1 Hereditary Breast and Ovarian Cancer; OVARIAN CANCER, SUSCEPTIBILITY TO. Identifiers: Orphanet 145, MedGen C2676676, MONDO:0011450, OMIM 604370. Disease mechanism: loss of function.

Submission:

Brotman Baty Institute, University of Washington
No classification provided (evidence only). Condition: Breast-ovarian cancer, familial 1. Review status: no classification provided. Collection method: in vitro. Allele origin: not applicable. Functional consequence: functionally_normal.
ClinVar note: "not provided" was previously submitted as the classification for the variant. However, the classification appeared to be based only on an observation of functional data so it was converted to no classification on 2025-07-30.

NM_007294.4(BRCA1):c.134+7T>A

Gene: BRCA1 (BRCA1 DNA repair associated; minus strand). Cytogenetic location: 17q21.31.
Variant type: single nucleotide variant.
Coding change: c.134+7T>A on transcript NM_007294.4 (MANE Select); 7 bases into the intron after coding-DNA position 134, T replaced by A.
Molecular consequence: intron variant.
Genome position (GRCh38, 1-based): chr17:43,115,719, A>T on the plus strand (T>A on the coding strand, the complement: BRCA1 is on the minus strand). VCF-style: chr17-43115719-A-T. GRCh37 (hg19) VCF-style: chr17-41267736-A-T.
Other names: c.-8+7T>A (NM_001408458.1, NM_001408470.1, NM_001407848.1 and 47 more transcripts); c.-219+9558T>A (NM_001407967.1); c.-170+9558T>A (NM_001407959.1); c.-7-9186T>A (NM_001407931.1, NM_001407747.1, NM_001408511.1 and 2 more transcripts); c.-170+7T>A (NM_001407962.1, NM_001408512.1, NM_001408510.1 and 1 more transcripts); c.-55+7T>A (NM_001407885.1, NM_001407886.1, NM_001408509.1 and 52 more transcripts); c.-124+7T>A (NM_001407746.1, NM_001408468.1, NM_001407842.1 and 13 more transcripts); c.-8+8298T>A (NM_001408461.1, NM_001407738.1, NM_001407932.1 and 23 more transcripts); and 10 more.
Identifiers: ClinVar variation 868177 (VCV000868177.3), dbSNP rs2055241241, ClinGen allele CA916080995.
Genomic context (GRCh38, chr17:43,115,719, plus strand): 5'-GTTTCCTGGGTTATGAAGGACAAAAACAAAAGCTAATAATGGAGCCACATAACACATTCA[A>T]ACTTACTTGCAAAATATGTGGTCACACTTTGTGGAGACAGGTTCCTTGATCAACTCCAGA-3'